The following is an entry in ClinVar:

ClinVar aggregate classification (germline): Uncertain significance (1 of 4 stars; one submission).

Conditions:
Brachyolmia-amelogenesis imperfecta syndrome. Also called: PLATYSPONDYLY WITH AMELOGENESIS IMPERFECTA; Tooth agenesis, selective, 6; Dental anomalies and short stature. Identifiers: Orphanet 2899, MedGen C1832594, MONDO:0011018, OMIM 601216. Disease mechanism: loss of function.

Submission:

Labcorp Genetics (formerly Invitae), Labcorp
Classification: Uncertain significance for Brachyolmia-amelogenesis imperfecta syndrome. Last evaluated: 2024-05-29. Review status: criteria provided, single submitter. Criteria: Invitae Variant Classification Sherloc (09022015). Collection method: clinical testing. Allele origin: germline.
Comment: This sequence change replaces glycine, which is neutral and non-polar, with serine, which is neutral and polar, at codon 716 of the LTBP3 protein (p.Gly716Ser). This variant is not present in population databases (gnomAD no frequency). This variant has not been reported in the literature in individuals affected with LTBP3-related conditions. Algorithms developed to predict the effect of missense changes on protein structure and function output the following: SIFT: "Not Available"; PolyPhen-2: "Benign"; Align-GVGD: "Not Available". The serine amino acid residue is found in multiple mammalian species, which suggests that this missense change does not adversely affect protein function. In summary, the available evidence is currently insufficient to determine the role of this variant in disease. Therefore, it has been classified as a Variant of Uncertain Significance.

NM_001130144.3(LTBP3):c.2146G>A (p.Gly716Ser)

Genes: LTBP3 (latent transforming growth factor beta binding protein 3; minus strand), LOC130006030 (ATAC-STARR-seq lymphoblastoid silent region 3533; plus strand). Cytogenetic location: 11q13.1.
Variant type: single nucleotide variant.
Coding change: c.2146G>A on transcript NM_001130144.3 (MANE Select); coding-DNA position 2146, G replaced by A.
Protein change: p.Gly716Ser; replaces glycine 716 with serine.
Molecular consequence: missense variant.
Genome position (GRCh38, 1-based): chr11:65,546,882, C>T on the plus strand (G>A on the coding strand, the complement: LTBP3 is on the minus strand). VCF-style: chr11-65546882-C-T. GRCh37 (hg19) VCF-style: chr11-65314353-C-T.
Other names: c.1795G>A, p.Gly599Ser (NM_001164266.1); c.2146G>A, p.Gly716Ser (NM_021070.4); short protein forms G599S, G716S.
Identifiers: ClinVar variation 3642061 (VCV003642061.2).